The following is an entry in ClinVar:

NM_000059.4(BRCA2):c.8803A>T (p.Met2935Leu)

Gene: BRCA2 (BRCA2 DNA repair associated; plus strand). Cytogenetic location: 13q13.1.
Variant type: single nucleotide variant.
Coding change: c.8803A>T on transcript NM_000059.4 (MANE Select); coding-DNA position 8803, A replaced by T.
Protein change: p.Met2935Leu; replaces methionine 2935 with leucine.
Molecular consequence: missense variant.
Genome position (GRCh38, 1-based): chr13:32,379,365, A>T. VCF-style: chr13-32379365-A-T. GRCh37 (hg19) VCF-style: chr13-32953502-A-T.
Other names: c.8707A>T, p.Met2903Leu (NM_001406719.1); c.8803A>T, p.Met2935Leu (NM_001406720.1); c.3871A>T, p.Met1291Leu (NM_001406721.1); c.2386A>T, p.Met796Leu (NM_001406722.1); short protein forms M2935L, M1291L, M2903L, M796L.
Identifiers: ClinVar variation 2080535 (VCV002080535.4), dbSNP rs2137619365, ClinGen allele CA387756014.
Genomic context (GRCh38, chr13:32,379,365, plus strand): 5'-AAATGGTCACAGGGTTATTTCAGTGAAGAGCAGTTAAGAGCCTTGAATAATCACAGGCAA[A>T]TGTTGAATGATAAGAAACAAGCTCAGATCCAGTTGGAAATTAGGAAGGCCATGGAATCTG-3'
Protein context (NP_000050.3, residues 2925-2945): QLRALNNHRQ[Met2935Leu]LNDKKQAQIQ

ClinVar aggregate classification (germline): Uncertain significance (1 of 4 stars; one submission).

Conditions:
Hereditary breast ovarian cancer syndrome. Also called: Hereditary breast and ovarian cancer syndrome; Hereditary breast and ovarian cancer syndrome (HBOC); Breast and ovarian cancer; Hereditary breast and/or ovarian cancer syndrome; BRCA1- and BRCA2-Associated Hereditary Breast and Ovarian Cancer; Hereditary breast and ovarian cancer. Identifiers: Orphanet 145, MedGen C0677776, MeSH D061325, MONDO:0003582. Disease mechanism: loss of function.

Submission:

Labcorp Genetics (formerly Invitae), Labcorp
Classification: Uncertain significance for Hereditary breast ovarian cancer syndrome. Last evaluated: 2022-01-12. Review status: criteria provided, single submitter. Criteria: Invitae Variant Classification Sherloc (09022015). Collection method: clinical testing. Allele origin: germline.
Comment: In summary, the available evidence is currently insufficient to determine the role of this variant in disease. Therefore, it has been classified as a Variant of Uncertain Significance. This sequence change replaces methionine, which is neutral and non-polar, with leucine, which is neutral and non-polar, at codon 2935 of the BRCA2 protein (p.Met2935Leu). Advanced modeling of protein sequence and biophysical properties (such as structural, functional, and spatial information, amino acid conservation, physicochemical variation, residue mobility, and thermodynamic stability) performed at Invitae indicates that this missense variant is not expected to disrupt BRCA2 protein function. This variant has not been reported in the literature in individuals affected with BRCA2-related conditions. This variant is not present in population databases (gnomAD no frequency).